The following is an entry in ClinVar:

NM_001130438.3(SPTAN1):c.133C>T (p.Arg45Ter)

Gene: SPTAN1 (spectrin alpha, non-erythrocytic 1; plus strand). Cytogenetic location: 9q34.11.
Variant type: single nucleotide variant.
Coding change: c.133C>T on transcript NM_001130438.3 (MANE Select); coding-DNA position 133, C replaced by T.
Protein change: p.Arg45Ter; replaces arginine 45 with a stop codon.
Molecular consequence: nonsense.
Genome position (GRCh38, 1-based): chr9:128,566,873, C>T. VCF-style: chr9-128566873-C-T. GRCh37 (hg19) VCF-style: chr9-131329152-C-T.
Other names: c.133C>T, p.Arg45Ter (NM_001195532.2, NM_001363759.2, NM_001363765.2 and 5 more transcripts); c.169C>T, p.Arg57Ter (NM_001375312.2, NM_001375318.1); short protein forms R45*, R57*.
Identifiers: ClinVar variation 1308193 (VCV001308193.19), dbSNP rs1484319243, ClinGen allele CA375049715.
Genomic context (GRCh38, chr9:128,566,873, plus strand): 5'-CGATACCACCGCTTCAAGGAACTCTCAACCCTTAGGCGTCAGAAGCTGGAAGATTCCTAT[C>T]GATTCCAGTTCTTTCAAAGAGATGCTGAAGAGCTGGAGAAATGGATACAGGAAAAACTTC-3'

ClinVar aggregate classification (germline): Pathogenic. Review status: criteria provided, multiple submitters, no conflicts (2 of 4 stars). 2 submissions from 2 submitters: Pathogenic (2). Last evaluated 2025-01-01.

Allele frequency attached by ClinVar (database versions not stated): TOPMed below 0.00001.

Submissions (2):

CeGaT Center for Human Genetics Tuebingen
Classification: Pathogenic. Last evaluated: 2025-01-01. Review status: criteria provided, single submitter. Criteria: CeGaT Center For Human Genetics Tuebingen Variant Classification Criteria Version 2. Collection method: clinical testing. Allele origin: germline. Affected: yes. Observed: 1 variant allele.
Comment: SPTAN1: PVS1, PM2

GeneDx
Classification: Pathogenic. Last evaluated: 2024-07-09. Review status: criteria provided, single submitter. Criteria: GeneDx Variant Classification Process June 2021. Collection method: clinical testing. Allele origin: germline. Affected: yes.
Comment: Nonsense variant predicted to result in protein truncation or nonsense mediated decay in a gene for which loss of function is a known mechanism of disease; Not observed at significant frequency in large population cohorts (gnomAD); Has not been previously published as pathogenic or benign to our knowledge